The following is an entry in ClinVar:

NM_024408.4(NOTCH2):c.3778C>T (p.Arg1260Cys)

Gene: NOTCH2 (notch receptor 2; minus strand). Cytogenetic location: 1p12.
Variant type: single nucleotide variant.
Coding change: c.3778C>T on transcript NM_024408.4 (MANE Select); coding-DNA position 3778, C replaced by T.
Protein change: p.Arg1260Cys; replaces arginine 1260 with cysteine.
Molecular consequence: missense variant.
Genome position (GRCh38, 1-based): chr1:119,929,090, G>A on the plus strand (C>T on the coding strand, the complement: NOTCH2 is on the minus strand). VCF-style: chr1-119929090-G-A. GRCh37 (hg19) VCF-style: chr1-120471713-G-A.
Other names: short protein forms R1260C.
Identifiers: ClinVar variation 2837226 (VCV002837226.3), dbSNP rs2101169224, ClinGen allele CA341893780.

ClinVar aggregate classification (germline): Uncertain significance (1 of 4 stars; one submission).

Conditions:
Hajdu-Cheney syndrome (HJCYS). Also called: Acroosteolysis dominant type; ACROOSTEOLYSIS WITH OSTEOPOROSIS AND CHANGES IN SKULL AND MANDIBLE; SERPENTINE FIBULA-POLYCYSTIC KIDNEY SYNDROME. Identifiers: Orphanet 955, MedGen C0917715, MONDO:0007057, OMIM 102500.

Allele frequency attached by ClinVar (database versions not stated): gnomAD exomes 0.00001.
gnomAD v4.1: 5 of 1,614,116 alleles (0.00031%); highest among the groups gnomAD compares: Non-Finnish European, 0.00042%; no homozygotes.

Submission:

Labcorp Genetics (formerly Invitae), Labcorp
Classification: Uncertain significance for Hajdu-Cheney syndrome. Last evaluated: 2023-02-14. Review status: criteria provided, single submitter. Criteria: Invitae Variant Classification Sherloc (09022015). Collection method: clinical testing. Allele origin: germline.
Comment: This sequence change replaces arginine, which is basic and polar, with cysteine, which is neutral and slightly polar, at codon 1260 of the NOTCH2 protein (p.Arg1260Cys). This variant is not present in population databases (gnomAD no frequency). This variant has not been reported in the literature in individuals affected with NOTCH2-related conditions. Advanced modeling of protein sequence and biophysical properties (such as structural, functional, and spatial information, amino acid conservation, physicochemical variation, residue mobility, and thermodynamic stability) performed at Invitae indicates that this missense variant is not expected to disrupt NOTCH2 protein function. In summary, the available evidence is currently insufficient to determine the role of this variant in disease. Therefore, it has been classified as a Variant of Uncertain Significance.